The following is an entry in ClinVar:

NM_004224.3(GPR50):c.1710G>A (p.Gly570=)

Gene: GPR50 (G protein-coupled receptor 50; plus strand). Cytogenetic location: Xq28.
Variant type: single nucleotide variant.
Coding change: c.1710G>A on transcript NM_004224.3 (MANE Select); coding-DNA position 1710, G replaced by A.
Protein change: p.Gly570=; no amino-acid change (glycine 570 retained).
Molecular consequence: synonymous variant.
Genome position (GRCh38, 1-based): chrX:151,181,293, G>A. VCF-style: chrX-151181293-G-A. GRCh37 (hg19) VCF-style: chrX-150349765-G-A.
Identifiers: ClinVar variation 2661642 (VCV002661642.24), dbSNP rs2523552755, ClinGen allele CA519131612.

ClinVar aggregate classification (germline): Likely benign (1 of 4 stars; one submission).

gnomAD v4.1: 1 of 1,210,709 alleles (0.000083%); no homozygotes.

Submission:

CeGaT Center for Human Genetics Tuebingen
Classification: Likely benign. Last evaluated: 2022-12-01. Review status: criteria provided, single submitter. Criteria: CeGaT Center For Human Genetics Tuebingen Variant Classification Criteria Version 2. Collection method: clinical testing. Allele origin: germline. Affected: yes. Observed: 1 variant allele.
Comment: GPR50: PM2:Supporting, BP4, BP7